The following is an entry in ClinVar:

NM_206933.4(USH2A):c.6100G>T (p.Ala2034Ser)

Gene: USH2A (usherin; minus strand). Cytogenetic location: 1q41.
Variant type: single nucleotide variant.
Coding change: c.6100G>T on transcript NM_206933.4 (MANE Select); coding-DNA position 6100, G replaced by T.
Protein change: p.Ala2034Ser; replaces alanine 2034 with serine.
Molecular consequence: missense variant.
Genome position (GRCh38, 1-based): chr1:216,048,597, C>A on the plus strand (G>T on the coding strand, the complement: USH2A is on the minus strand). VCF-style: chr1-216048597-C-A. GRCh37 (hg19) VCF-style: chr1-216221939-C-A.
Other names: short protein forms A2034S.
Identifiers: ClinVar variation 1011062 (VCV001011062.8), dbSNP rs2030621478, ClinGen allele CA344859575.

ClinVar aggregate classification (germline): Uncertain significance (1 of 4 stars; one submission).

Allele frequency attached by ClinVar (database versions not stated): gnomAD exomes below 0.00001.
gnomAD v4.1: 1 of 1,614,056 alleles (0.000062%); highest among the groups gnomAD compares: African/African-American, 0.0013%; no homozygotes.

Submission:

Labcorp Genetics (formerly Invitae), Labcorp
Classification: Uncertain significance. Last evaluated: 2022-09-01. Review status: criteria provided, single submitter. Criteria: Invitae Variant Classification Sherloc (09022015). Collection method: clinical testing. Allele origin: germline.
Comment: In summary, the available evidence is currently insufficient to determine the role of this variant in disease. Therefore, it has been classified as a Variant of Uncertain Significance. Algorithms developed to predict the effect of missense changes on protein structure and function (SIFT, PolyPhen-2, Align-GVGD) all suggest that this variant is likely to be disruptive. ClinVar contains an entry for this variant (Variation ID: 1011062). This variant has not been reported in the literature in individuals affected with USH2A-related conditions. This variant is not present in population databases (gnomAD no frequency). This sequence change replaces alanine, which is neutral and non-polar, with serine, which is neutral and polar, at codon 2034 of the USH2A protein (p.Ala2034Ser).